The following is an entry in ClinVar:

NM_003070.5(SMARCA2):c.4440G>A (p.Thr1480=)

Gene: SMARCA2 (SWI/SNF related BAF chromatin remodeling complex subunit ATPase 2; plus strand). Cytogenetic location: 9p24.3.
Variant type: single nucleotide variant.
Coding change: c.4440G>A on transcript NM_003070.5 (MANE Select); coding-DNA position 4440, G replaced by A.
Protein change: p.Thr1480=; no amino-acid change (threonine 1480 retained).
Molecular consequence: synonymous variant.
Genome position (GRCh38, 1-based): chr9:2,182,221, G>A. VCF-style: chr9-2182221-G-A. GRCh37 (hg19) VCF-style: chr9-2182221-G-A.
Other names: c.4440G>A, p.Thr1480= (NM_001289396.2); c.4212G>A, p.Thr1404= (NM_001289397.2); c.414G>A, p.Thr138= (NM_001289398.2); c.498G>A, p.Thr166= (NM_001289399.2); c.504G>A, p.Thr168= (NM_001289400.2); c.4386G>A, p.Thr1462= (NM_139045.4).
Identifiers: ClinVar variation 366243 (VCV000366243.39), dbSNP rs184913034, ClinGen allele CA4964169.

ClinVar aggregate classification (germline): Benign/Likely benign. Review status: criteria provided, multiple submitters, no conflicts (2 of 4 stars). 6 submissions from 6 submitters: Benign (3); Likely benign (3). Last evaluated 2026-01-28.

Conditions:
Nicolaides-Baraitser syndrome (NCBRS). Also called: Intellectual disability-sparse hair-brachydactyly syndrome; SMARCA2-Related Nicolaides-Baraitser Syndrome. Identifiers: Orphanet 3051, MedGen C1303073, MONDO:0011053, OMIM 601358.
Inborn genetic diseases. Identifiers: MedGen C0950123, MeSH D030342.

Allele frequency attached by ClinVar (database versions not stated): ESP Exome Variant Server 0.00008; TOPMed 0.00044; ExAC 0.00071; gnomAD exomes 0.00073; 1000 Genomes Project 30x 0.00281; 1000 Genomes Project 0.00300.
gnomAD v4.1: 310 of 1,612,292 alleles (0.019%); highest among the groups gnomAD compares: East Asian, 0.4%; 1 homozygote.

Submissions (6):

Labcorp Genetics (formerly Invitae), Labcorp
Classification: Benign. Last evaluated: 2026-01-28. Review status: criteria provided, single submitter. Criteria: Invitae Variant Classification Sherloc (09022015). Collection method: clinical testing. Allele origin: germline.

Blueprint Genetics
Classification: Likely benign. Last evaluated: 2024-10-03. Review status: criteria provided, single submitter. Criteria: ACMG Guidelines, 2015. Collection method: clinical testing. Allele origin: germline.

CeGaT Center for Human Genetics Tuebingen
Classification: Likely benign. Last evaluated: 2024-07-01. Review status: criteria provided, single submitter. Criteria: CeGaT Center For Human Genetics Tuebingen Variant Classification Criteria Version 2. Collection method: clinical testing. Allele origin: germline. Affected: yes. Observed: 1 variant allele.
Comment: SMARCA2: BP4, BP7

GeneDx
Classification: Benign. Last evaluated: 2020-02-19. Review status: criteria provided, single submitter. Criteria: GeneDx Variant Classification Process June 2021. Collection method: clinical testing. Allele origin: germline. Affected: yes.

Illumina Laboratory Services, Illumina
Classification: Benign for Nicolaides-Baraitser syndrome. Last evaluated: 2018-01-12. Review status: criteria provided, single submitter. Criteria: ICSL Variant Classification Criteria 13 December 2019. Collection method: clinical testing. Allele origin: germline.
Comment: This variant was observed in the ICSL laboratory as part of a predisposition screen in an ostensibly healthy population. It had not been previously curated by ICSL or reported in the Human Gene Mutation Database (HGMD: prior to June 1st, 2018), and was therefore a candidate for classification through an automated scoring system. Utilizing variant allele frequency, disease prevalence and penetrance estimates, and inheritance mode, an automated score was calculated to assess if this variant is too frequent to cause the disease. Based on the score and internal cut-off values, a variant classified as benign is not then subjected to further curation. The score for this variant resulted in a classification of benign for this disease.

Ambry Genetics
Classification: Likely benign for Inborn genetic diseases. Last evaluated: 2016-11-25. Review status: criteria provided, single submitter. Criteria: Ambry Variant Classification Scheme 2023. Collection method: clinical testing. Allele origin: germline.